The following is an entry in ClinVar:

ClinVar aggregate classification (germline): Benign. Review status: criteria provided, single submitter (1 of 4 stars). 2 submissions from 2 submitters: Benign (1). 1 of the submissions does not count toward it. Last evaluated 2025-10-24.

Conditions:
Cenani-Lenz syndactyly syndrome. Also called: CENANI SYNDACTYLISM; SYNDACTYLY, TYPE VII. Identifiers: Orphanet 3258, MedGen C1859309, MONDO:0008931, OMIM 212780.
Congenital myasthenic syndrome 17. Identifiers: Orphanet 590, MedGen C4225377, MONDO:0014578, OMIM 616304.
Sclerosteosis 2 (SOST2). Identifiers: Orphanet 3152, MedGen C3280402, MONDO:0013679, OMIM 614305.
LRP4-related disorder. Also called: LRP4-related condition.

Allele frequency attached by ClinVar (database versions not stated): TOPMed 0.00002; gnomAD 0.00021; gnomAD exomes 0.00076; ExAC 0.00089; 1000 Genomes Project 30x 0.00109; 1000 Genomes Project 0.00120.
gnomAD v4.1: 594 of 1,614,090 alleles (0.037%); highest among the groups gnomAD compares: South Asian, 0.64%; 8 homozygotes.

Submissions (2):

Labcorp Genetics (formerly Invitae), Labcorp
Classification: Benign for Cenani-Lenz syndactyly syndrome; Sclerosteosis 2; Congenital myasthenic syndrome 17. Last evaluated: 2025-10-24. Review status: criteria provided, single submitter. Criteria: Invitae Variant Classification Sherloc (09022015). Collection method: clinical testing. Allele origin: germline.

PreventionGenetics, part of Exact Sciences
Classification: Likely benign for LRP4-related condition. Last evaluated: 2019-11-04. Review status: no assertion criteria provided. Collection method: clinical testing. Allele origin: germline. Not counted in ClinVar's aggregate classification.
Comment: This variant is classified as likely benign based on ACMG/AMP sequence variant interpretation guidelines (Richards et al. 2015 PMID: 25741868, with internal and published modifications).

NM_002334.4(LRP4):c.141C>G (p.Ala47=)

Gene: LRP4 (LDL receptor related protein 4; minus strand). Cytogenetic location: 11p11.2.
Variant type: single nucleotide variant.
Coding change: c.141C>G on transcript NM_002334.4 (MANE Select); coding-DNA position 141, C replaced by G.
Protein change: p.Ala47=; no amino-acid change (alanine 47 retained).
Molecular consequence: synonymous variant.
Genome position (GRCh38, 1-based): chr11:46,902,841, G>C on the plus strand (C>G on the coding strand, the complement: LRP4 is on the minus strand). VCF-style: chr11-46902841-G-C. GRCh37 (hg19) VCF-style: chr11-46924392-G-C.
Identifiers: ClinVar variation 467781 (VCV000467781.12), dbSNP rs543418199, ClinGen allele CA5970600.